The following is an entry in ClinVar:

ClinVar aggregate classification (germline): Uncertain significance (1 of 4 stars; one submission).

Conditions:
Developmental and epileptic encephalopathy, 9 (DEE9). Also called: Early infantile epileptic encephalopathy 9; JUBERG-HELLMAN SYNDROME; EPILEPSY, FEMALE-RESTRICTED, WITH MENTAL RETARDATION; PCDH19-Related X-Linked Female-Limited Epilepsy with Mental Retardation. Identifiers: Orphanet 101039, Orphanet 2076, MedGen C1848137, MONDO:0010246, OMIM 300088. Disease mechanism: loss of function.

Submission:

Labcorp Genetics (formerly Invitae), Labcorp
Classification: Uncertain significance for Developmental and epileptic encephalopathy, 9. Last evaluated: 2022-07-19. Review status: criteria provided, single submitter. Criteria: Invitae Variant Classification Sherloc (09022015). Collection method: clinical testing. Allele origin: germline.
Comment: ClinVar contains an entry for this variant (Variation ID: 935184). This variant is not present in population databases (gnomAD no frequency). This variant has not been reported in the literature in individuals affected with PCDH19-related conditions. Experimental studies and prediction algorithms are not available or were not evaluated, and the functional significance of this variant is currently unknown. In summary, the available evidence is currently insufficient to determine the role of this variant in disease. Therefore, it has been classified as a Variant of Uncertain Significance. This variant, c.490_513del, results in the deletion of 8 amino acid(s) of the PCDH19 protein (p.Gln164_Asn171del), but otherwise preserves the integrity of the reading frame.

NM_001184880.2(PCDH19):c.490_513del (p.Gln164_Asn171del)

Gene: PCDH19 (protocadherin 19; minus strand). Cytogenetic location: Xq22.1.
Variant type: Deletion.
Coding change: c.490_513del on transcript NM_001184880.2 (MANE Select); coding-DNA positions 490 to 513, 24 bases deleted (CAGACTTACGAGCTCACGCCCAAC).
Protein change: p.Gln164_Asn171del.
Molecular consequence: inframe deletion.
Genome position (GRCh38, 1-based): chrX:100,408,085-100,408,108, GTTGGGCGTGAGCTCGTAAGTCTG deleted on the plus strand (CAGACTTACGAGCTCACGCCCAAC on the coding strand, the reverse complement: PCDH19 is on the minus strand). VCF-style (leftmost placement, unchanged base first): chrX-100408084-CGTTGGGCGTGAGCTCGTAAGTCTG-C. GRCh37 (hg19) VCF-style: chrX-99663082-CGTTGGGCGTGAGCTCGTAAGTCTG-C.
Other names: c.490_513del, p.Gln164_Asn171del (NM_001105243.2, NM_020766.3).
Identifiers: ClinVar variation 935184 (VCV000935184.10), dbSNP rs1928454411, ClinGen allele CA1139667695.
Genomic context (GRCh38, chrX:100,408,084, plus strand): 5'-CCACGAGTTCGGCAAAGCGGGAGCCGTCGCCGCGCGTCTTGATCTCCAGGCCGAACAGCT[CGTTGGGCGTGAGCTCGTAAGTCTG>C]CACGCCAAAGCTTCCTGAGTCTGGATCGTAAGCGCTGTCCAGCGGGATGCGCGTGCCAGG-3'